The following is an entry in ClinVar:

ClinVar aggregate classification (germline): Uncertain significance. Review status: criteria provided, multiple submitters, no conflicts (2 of 4 stars). 2 submissions from 2 submitters: Uncertain significance (2). Last evaluated 2026-08-27.

Conditions:
CHRNE-related disorder. Also called: CHRNE-related condition.
Inborn genetic diseases. Identifiers: MedGen C0950123, MeSH D030342.

Submissions (2):

PreventionGenetics, part of Exact Sciences
Classification: Uncertain significance for CHRNE-related condition. Last evaluated: 2026-08-27. Review status: criteria provided, single submitter. Criteria: ACMG Guidelines, 2015. Collection method: clinical testing. Allele origin: germline.
Comment: The CHRNE c.1069C>T variant is predicted to result in the amino acid substitution p.Pro357Ser. To our knowledge, this variant has not been reported in the literature. This variant is reported in 0.0042% of alleles in individuals of European (non-Finnish) descent in gnomAD. At this time, the clinical significance of this variant is uncertain due to the absence of conclusive functional and genetic evidence.

Ambry Genetics
Classification: Uncertain significance for Inborn genetic diseases. Last evaluated: 2025-10-02. Review status: criteria provided, single submitter. Criteria: Ambry Variant Classification Scheme 2023. Collection method: clinical testing. Allele origin: germline.

NM_000080.4(CHRNE):c.1069C>T (p.Pro357Ser)

Genes: CHRNE (cholinergic receptor nicotinic epsilon subunit; minus strand), LOC130060041 (ATAC-STARR-seq lymphoblastoid silent region 8050; plus strand). Cytogenetic location: 17p13.2.
Variant type: single nucleotide variant.
Coding change: c.1069C>T on transcript NM_000080.4 (MANE Select); coding-DNA position 1069, C replaced by T.
Protein change: p.Pro357Ser; replaces proline 357 with serine.
Molecular consequence: missense variant.
Genome position (GRCh38, 1-based): chr17:4,899,348, G>A on the plus strand (C>T on the coding strand, the complement: CHRNE is on the minus strand). VCF-style: chr17-4899348-G-A. GRCh37 (hg19) VCF-style: chr17-4802643-G-A.
Other names: short protein forms P357S.
Identifiers: ClinVar variation 4615401 (VCV004615401.2).
Genomic context (GRCh38, chr17:4,899,348, plus strand): 5'-AGCCCACCGACGACGCCCGCCTTGGGGGCGAGGCGGCCCGGGGGGCCTCGGGCGGCGGCG[G>A]GGAGCCCAGGAGGCGCGGCAGCAGCTCCAGGAGAACCTGGGGCAGGGGCGGGGCTTAGGG-3'
Protein context (NP_000071.1, residues 347-367): LELLPRLLGS[Pro357Ser]PPPEAPRAAS